The following is an entry in ClinVar:

NM_001374736.1(DST):c.4380G>A (p.Thr1460=)

Gene: DST (dystonin; minus strand). Cytogenetic location: 6p12.1.
Variant type: single nucleotide variant.
Coding change: c.4380G>A on transcript NM_001374736.1 (MANE Select); coding-DNA position 4380, G replaced by A.
Protein change: p.Thr1460=; no amino-acid change (threonine 1460 retained).
Molecular consequence: synonymous variant.
Genome position (GRCh38, 1-based): chr6:56,629,345, C>T on the plus strand (G>A on the coding strand, the complement: DST is on the minus strand). VCF-style: chr6-56629345-C-T. GRCh37 (hg19) VCF-style: chr6-56494143-C-T.
Other names: c.4281G>A, p.Thr1427= (NM_001144769.5); c.3867G>A, p.Thr1289= (NM_001144770.2); c.4380G>A, p.Thr1460= (NM_001374722.1); c.3747G>A, p.Thr1249= (NM_001374729.1, NM_001374730.1, NM_001386100.1 and 1 more transcripts); c.4407G>A, p.Thr1469= (NM_001374734.1); c.2769G>A, p.Thr923= (NM_001723.7, NM_015548.5).
Identifiers: ClinVar variation 357598 (VCV000357598.16), dbSNP rs200169945, ClinGen allele CA3870916.

ClinVar aggregate classification (germline): Likely benign. Review status: criteria provided, single submitter (1 of 4 stars). 2 submissions from 2 submitters: Likely benign (1). 1 of the submissions does not count toward it. Last evaluated 2025-11-20.

Conditions:
DST-related disorder. Also called: DST-related condition; DST-related disorders.
Epidermolysis bullosa simplex 3, localized or generalized intermediate, with BP230 deficiency (EBS3). Also called: Epidermolysis bullosa simplex, autosomal recessive 2; Epidermolysis bullosa simplex due to BP230 deficiency. Identifiers: Orphanet 412181, MedGen C3809470, MONDO:0014180, OMIM 615425.
Hereditary sensory and autonomic neuropathy type 6. Also called: HSAN VI; Neuropathy, hereditary sensory and autonomic, type VI. Identifiers: Orphanet 314381, MedGen C3539003, MONDO:0013839, OMIM 614653.

Allele frequency attached by ClinVar (database versions not stated): ExAC 0.00002; gnomAD 0.00002 and 0.00003; TOPMed 0.00003; gnomAD exomes 0.00004 and 0.00008; ESP Exome Variant Server 0.00008.
gnomAD v4.1: 111 of 1,613,512 alleles (0.0069%); highest among the groups gnomAD compares: Non-Finnish European, 0.009%; no homozygotes.

Submissions (2):

Labcorp Genetics (formerly Invitae), Labcorp
Classification: Likely benign for Epidermolysis bullosa simplex 3, localized or generalized intermediate, with BP230 deficiency; Hereditary sensory and autonomic neuropathy type 6. Last evaluated: 2025-11-20. Review status: criteria provided, single submitter. Criteria: Invitae Variant Classification Sherloc (09022015). Collection method: clinical testing. Allele origin: germline.

PreventionGenetics, part of Exact Sciences
Classification: Likely benign for DST-related condition. Last evaluated: 2022-05-13. Review status: no assertion criteria provided. Collection method: clinical testing. Allele origin: germline. Not counted in ClinVar's aggregate classification.
Comment: This variant is classified as likely benign based on ACMG/AMP sequence variant interpretation guidelines (Richards et al. 2015 PMID: 25741868, with internal and published modifications).